The following is an entry in ClinVar:

NM_004380.3(CREBBP):c.1823+5G>A

Gene: CREBBP (CREB binding lysine acetyltransferase; minus strand). Cytogenetic location: 16p13.3.
Variant type: single nucleotide variant.
Coding change: c.1823+5G>A on transcript NM_004380.3 (MANE Select); 5 bases into the intron after coding-DNA position 1823, G replaced by A.
Molecular consequence: intron variant.
Genome position (GRCh38, 1-based): chr16:3,780,727, C>T on the plus strand (G>A on the coding strand, the complement: CREBBP is on the minus strand). VCF-style: chr16-3780727-C-T. GRCh37 (hg19) VCF-style: chr16-3830728-C-T.
Other names: c.1709+5G>A (NM_001079846.1).
Identifiers: ClinVar variation 4887831 (VCV004887831.2).
Genomic context (GRCh38, chr16:3,780,727, plus strand): 5'-TGGTAGCCAATGGGCAACACAGGAATAAAATCAAACATCTATGAAACTGCAAAACTGTTA[C>T]GTACAGTTTATGCACTAGATGGCTCCGCAGGTCCTGAGTGACATGTTCGTGCCAGCCTTT-3'

ClinVar aggregate classification (germline): Pathogenic/Likely pathogenic. Review status: criteria provided, multiple submitters, no conflicts (2 of 4 stars). 2 submissions from 2 submitters: Pathogenic (1); Likely pathogenic (1). Last evaluated 2026-02-23.

Conditions:
CREBBP-related disorder. Also called: CREBBP-related condition; CREBBP-related disorders.

Submissions (2):

GeneDx
Classification: Pathogenic. Last evaluated: 2026-02-23. Review status: criteria provided, single submitter. Criteria: GeneDx Variant Classification Process June 2021. Collection method: clinical testing. Allele origin: germline.
Comment: In silico analysis supports a deleterious effect on splicing; RNA studies demonstrate a damaging effect leading to skipping of exon 8 and an in frame deletion of 50 amino acids (PMID: 25388907); Not observed at significant frequency in large population cohorts (gnomAD); This variant is associated with the following publications: (PMID: 25388907, 28726809, 31028937)

Blueprint Genetics
Classification: Likely pathogenic for CREBBP-related disorders. Last evaluated: 2021-03-22. Review status: criteria provided, single submitter. Criteria: ACMG Guidelines, 2015. Collection method: clinical testing. Allele origin: de novo. Affected: yes. Observed: 1 variant allele.